The following is an entry in ClinVar:

NM_003664.5(AP3B1):c.1635A>C (p.Leu545Phe)

Gene: AP3B1 (adaptor related protein complex 3 subunit beta 1; minus strand). Cytogenetic location: 5q14.1.
Variant type: single nucleotide variant.
Coding change: c.1635A>C on transcript NM_003664.5 (MANE Select); coding-DNA position 1635, A replaced by C.
Protein change: p.Leu545Phe; replaces leucine 545 with phenylalanine.
Molecular consequence: missense variant.
Genome position (GRCh38, 1-based): chr5:78,141,158, T>G on the plus strand (A>C on the coding strand, the complement: AP3B1 is on the minus strand). VCF-style: chr5-78141158-T-G. GRCh37 (hg19) VCF-style: chr5-77436982-T-G.
Other names: c.1488A>C, p.Leu496Phe (NM_001271769.2); c.1635A>C, p.Leu545Phe (NM_001410752.1); short protein forms L496F, L545F.
Identifiers: ClinVar variation 2164712 (VCV002164712.4), dbSNP rs1753129245, ClinGen allele CA360188747.
Genomic context (GRCh38, chr5:78,141,158, plus strand): 5'-GAGGAAAGTACGTATTAGATAGGTTGACTAACATTTGCCTCTCACCTGTTTGGAGTTGGT[T>G]AAATACAATTTTGCTCCCAGATTTAATATCTGCAGTTTTACCAGATCATCTTCACTAGTG-3'
Protein context (NP_003655.3, residues 535-555): QILNLGAKLY[Leu545Phe]TNSKQTKLLT

ClinVar aggregate classification (germline): Uncertain significance (1 of 4 stars; one submission).

Conditions:
Hermansky-Pudlak syndrome 2 (HPS2). Also called: Platelet defects and oculocutaneous albinism. Identifiers: Orphanet 183678, Orphanet 79430, MedGen C1842362, MONDO:0011997, OMIM 608233.

Allele frequency attached by ClinVar (database versions not stated): gnomAD exomes below 0.00001; TOPMed 0.00001.

Submission:

Labcorp Genetics (formerly Invitae), Labcorp
Classification: Uncertain significance for Hermansky-Pudlak syndrome 2. Last evaluated: 2024-02-23. Review status: criteria provided, single submitter. Criteria: Invitae Variant Classification Sherloc (09022015). Collection method: clinical testing. Allele origin: germline.
Comment: This sequence change replaces leucine, which is neutral and non-polar, with phenylalanine, which is neutral and non-polar, at codon 545 of the AP3B1 protein (p.Leu545Phe). This variant is not present in population databases (gnomAD no frequency). This variant has not been reported in the literature in individuals affected with AP3B1-related conditions. ClinVar contains an entry for this variant (Variation ID: 2164712). An algorithm developed to predict the effect of missense changes on protein structure and function (PolyPhen-2) suggests that this variant is likely to be disruptive. In summary, the available evidence is currently insufficient to determine the role of this variant in disease. Therefore, it has been classified as a Variant of Uncertain Significance.